The following is an entry in ClinVar:

NM_018051.5(DYNC2I1):c.1642G>A (p.Glu548Lys)

Gene: DYNC2I1 (dynein 2 intermediate chain 1; plus strand). Cytogenetic location: 7q36.3.
Variant type: single nucleotide variant.
Coding change: c.1642G>A on transcript NM_018051.5 (MANE Select); coding-DNA position 1642, G replaced by A.
Protein change: p.Glu548Lys; replaces glutamic acid 548 with lysine.
Molecular consequence: missense variant.
Genome position (GRCh38, 1-based): chr7:158,913,036, G>A. VCF-style: chr7-158913036-G-A. GRCh37 (hg19) VCF-style: chr7-158705727-G-A.
Other names: c.1504G>A, p.Glu502Lys (NM_001350914.2); c.1069G>A, p.Glu357Lys (NM_001350915.2); c.181G>A, p.Glu61Lys (NM_001350916.2); c.394G>A, p.Glu132Lys (NM_001350917.2, NM_001350918.2); short protein forms E132K, E357K, E502K, E548K, E61K.
Identifiers: ClinVar variation 1680685 (VCV001680685.4), dbSNP rs761082389, ClinGen allele CA4594704.

ClinVar aggregate classification (germline): Uncertain significance (1 of 4 stars; one submission).

Conditions:
Short-rib thoracic dysplasia 8 with or without polydactyly (SRTD8). Also called: SHORT-RIB THORACIC DYSPLASIA 8 WITH POLYDACTYLY. Identifiers: Orphanet 93271, MedGen C3809691, MONDO:0014214, OMIM 615503.

Allele frequency attached by ClinVar (database versions not stated): ExAC 0.00002; gnomAD exomes 0.00001; TOPMed below 0.00001.
gnomAD v4.1: 19 of 1,613,620 alleles (0.0012%); highest among the groups gnomAD compares: South Asian, 0.0022%; no homozygotes.

Submission:

Labcorp Genetics (formerly Invitae), Labcorp
Classification: Uncertain significance for Short-rib thoracic dysplasia 8 with or without polydactyly. Last evaluated: 2021-11-02. Review status: criteria provided, single submitter. Criteria: Invitae Variant Classification Sherloc (09022015). Collection method: clinical testing. Allele origin: germline.
Comment: This sequence change replaces glutamic acid, which is acidic and polar, with lysine, which is basic and polar, at codon 548 of the WDR60 protein (p.Glu548Lys). This variant is present in population databases (rs761082389, gnomAD 0.003%). This variant has not been reported in the literature in individuals affected with WDR60-related conditions. Algorithms developed to predict the effect of missense changes on protein structure and function are either unavailable or do not agree on the potential impact of this missense change (SIFT: "Deleterious"; PolyPhen-2: "Possibly Damaging"; Align-GVGD: "Class C0"). In summary, the available evidence is currently insufficient to determine the role of this variant in disease. Therefore, it has been classified as a Variant of Uncertain Significance.